The following is an entry in ClinVar:

NM_007118.4(TRIO):c.2044G>A (p.Glu682Lys)

Gene: TRIO (trio Rho guanine nucleotide exchange factor; plus strand). Cytogenetic location: 5p15.2.
Variant type: single nucleotide variant.
Coding change: c.2044G>A on transcript NM_007118.4 (MANE Select); coding-DNA position 2044, G replaced by A.
Protein change: p.Glu682Lys; replaces glutamic acid 682 with lysine.
Molecular consequence: missense variant. On other transcripts: non-coding transcript variant (1).
Genome position (GRCh38, 1-based): chr5:14,336,725, G>A. VCF-style: chr5-14336725-G-A. GRCh37 (hg19) VCF-style: chr5-14336834-G-A.
Other names: short protein forms E682K.
Identifiers: ClinVar variation 1704833 (VCV001704833.2), dbSNP rs2532449043, ClinGen allele CA359194536.

ClinVar aggregate classification (germline): Uncertain significance (1 of 4 stars; one submission).

Submission:

GeneDx
Classification: Uncertain significance. Last evaluated: 2022-03-09. Review status: criteria provided, single submitter. Criteria: GeneDx Variant Classification Process June 2021. Collection method: clinical testing. Allele origin: germline. Affected: yes.
Comment: Not observed at significant frequency in large population cohorts (gnomAD); In silico analysis supports that this missense variant has a deleterious effect on protein structure/function; Has not been previously published as pathogenic or benign to our knowledge